The following is an entry in ClinVar:

ClinVar aggregate classification (germline): Uncertain significance (1 of 4 stars; one submission).

Submission:

Labcorp Genetics (formerly Invitae), Labcorp
Classification: Uncertain significance. Last evaluated: 2025-06-18. Review status: criteria provided, single submitter. Criteria: Invitae Variant Classification Sherloc (09022015). Collection method: clinical testing. Allele origin: germline.
Comment: This sequence change replaces arginine, which is basic and polar, with tryptophan, which is neutral and slightly polar, at codon 1484 of the POLR1A protein (p.Arg1484Trp). This variant is present in population databases (rs760546106, gnomAD 0.02%). This variant has not been reported in the literature in individuals affected with POLR1A-related conditions. Invitae Evidence Modeling of protein sequence and biophysical properties (such as structural, functional, and spatial information, amino acid conservation, physicochemical variation, residue mobility, and thermodynamic stability) indicates that this missense variant is not expected to disrupt POLR1A protein function with a negative predictive value of 80%. In summary, the available evidence is currently insufficient to determine the role of this variant in disease. Therefore, it has been classified as a Variant of Uncertain Significance.

NM_015425.6(POLR1A):c.4450C>T (p.Arg1484Trp)

Gene: POLR1A (RNA polymerase I subunit A; minus strand). Cytogenetic location: 2p11.2.
Variant type: single nucleotide variant.
Coding change: c.4450C>T on transcript NM_015425.6 (MANE Select); coding-DNA position 4450, C replaced by T.
Protein change: p.Arg1484Trp; replaces arginine 1484 with tryptophan.
Molecular consequence: missense variant.
Genome position (GRCh38, 1-based): chr2:86,031,458, G>A on the plus strand (C>T on the coding strand, the complement: POLR1A is on the minus strand). VCF-style: chr2-86031458-G-A. GRCh37 (hg19) VCF-style: chr2-86258581-G-A.
Other names: short protein forms R1484W.
Identifiers: ClinVar variation 4720299 (VCV004720299.1).